The following is an entry in ClinVar:

NM_006922.4(SCN3A):c.4448T>G (p.Ile1483Ser)

Gene: SCN3A (sodium voltage-gated channel alpha subunit 3; minus strand). Cytogenetic location: 2q24.3.
Variant type: single nucleotide variant.
Coding change: c.4448T>G on transcript NM_006922.4 (MANE Select); coding-DNA position 4448, T replaced by G.
Protein change: p.Ile1483Ser; replaces isoleucine 1483 with serine.
Molecular consequence: missense variant.
Genome position (GRCh38, 1-based): chr2:165,094,462, A>C on the plus strand (T>G on the coding strand, the complement: SCN3A is on the minus strand). VCF-style: chr2-165094462-A-C. GRCh37 (hg19) VCF-style: chr2-165950972-A-C.
Other names: c.4301T>G, p.Ile1434Ser (NM_001081676.2, NM_001081677.2); short protein forms I1434S, I1483S.
Identifiers: ClinVar variation 1331640 (VCV001331640.5), dbSNP rs2105636283, ClinGen allele CA349020881.

ClinVar aggregate classification (germline): Likely pathogenic. Review status: criteria provided, multiple submitters, no conflicts (2 of 4 stars). 2 submissions from 2 submitters: Likely pathogenic (2). Last evaluated 2025-09-15.

Conditions:
Paediatric disorders.

Submissions (2):

North West Genomic Laboratory Hub, Manchester University NHS Foundation Trust
Classification: Likely pathogenic for Paediatric disorders. Last evaluated: 2025-09-15. Review status: criteria provided, single submitter. Criteria: ACGS Best Practice Guidelines for Variant Classification in Rare Disease 2024. Collection method: clinical testing. Allele origin: germline. Affected: yes.
Comment: PS2_Mod PP3_Supp PM2_Mod PP2_Supp

Greenwood Genetic Center Diagnostic Laboratories, Greenwood Genetic Center
Classification: Likely pathogenic. Last evaluated: 2021-01-12. Review status: criteria provided, single submitter. Criteria: ACMG Guidelines, 2015. Collection method: clinical testing. Allele origin: germline. Affected: yes.
Comment: PS2, PP2, PP3, PM2